The following is an entry in ClinVar:

NM_005908.4(MANBA):c.1511C>T (p.Thr504Met)

Gene: MANBA (mannosidase beta; minus strand). Cytogenetic location: 4q24.
Variant type: single nucleotide variant.
Coding change: c.1511C>T on transcript NM_005908.4 (MANE Select); coding-DNA position 1511, C replaced by T.
Protein change: p.Thr504Met; replaces threonine 504 with methionine.
Molecular consequence: missense variant.
Genome position (GRCh38, 1-based): chr4:102,657,875, G>A on the plus strand (C>T on the coding strand, the complement: MANBA is on the minus strand). VCF-style: chr4-102657875-G-A. GRCh37 (hg19) VCF-style: chr4-103579032-G-A.
Other names: short protein forms T504M.
Identifiers: ClinVar variation 1026327 (VCV001026327.3), dbSNP rs370002189, ClinGen allele CA3026871.

ClinVar aggregate classification (germline): Uncertain significance (1 of 4 stars; one submission).

Conditions:
Beta-D-mannosidosis (MANSB). Also called: Beta-Mannosidosis; MANNOSIDOSIS, BETA A, LYSOSOMAL; BETA-MANNOSIDASE DEFICIENCY; LYSOSOMAL BETA-MANNOSIDASE DEFICIENCY. Identifiers: Orphanet 118, MedGen C4048196, MONDO:0009562, OMIM 248510.

Allele frequency attached by ClinVar (database versions not stated): gnomAD exomes 0.00003; gnomAD 0.00009 and 0.00008; TOPMed 0.00005; ExAC 0.00003; ESP Exome Variant Server 0.00015.
gnomAD v4.1: 52 of 1,612,350 alleles (0.0032%); highest among the groups gnomAD compares: African/African-American, 0.019%; no homozygotes.

Submission:

Labcorp Genetics (formerly Invitae), Labcorp
Classification: Uncertain significance for Beta-D-mannosidosis. Last evaluated: 2024-01-17. Review status: criteria provided, single submitter. Criteria: Invitae Variant Classification Sherloc (09022015). Collection method: clinical testing. Allele origin: germline.
Comment: This sequence change replaces threonine, which is neutral and polar, with methionine, which is neutral and non-polar, at codon 504 of the MANBA protein (p.Thr504Met). This variant is present in population databases (rs370002189, gnomAD 0.03%). This variant has not been reported in the literature in individuals affected with MANBA-related conditions. ClinVar contains an entry for this variant (Variation ID: 1026327). Advanced modeling of protein sequence and biophysical properties (such as structural, functional, and spatial information, amino acid conservation, physicochemical variation, residue mobility, and thermodynamic stability) performed at Invitae indicates that this missense variant is not expected to disrupt MANBA protein function with a negative predictive value of 80%. In summary, the available evidence is currently insufficient to determine the role of this variant in disease. Therefore, it has been classified as a Variant of Uncertain Significance.